The following is an entry in ClinVar:

ClinVar aggregate classification (germline): Uncertain significance (1 of 4 stars; one submission).

Conditions:
Candidiasis, familial, 9 (CANDF9). Identifiers: Orphanet 1334, MedGen C4225324, MONDO:0014642, OMIM 616445.

Submission:

Labcorp Genetics (formerly Invitae), Labcorp
Classification: Uncertain significance for Candidiasis, familial, 9. Last evaluated: 2024-06-06. Review status: criteria provided, single submitter. Criteria: Invitae Variant Classification Sherloc (09022015). Collection method: clinical testing. Allele origin: germline.
Comment: This sequence change replaces cysteine, which is neutral and slightly polar, with phenylalanine, which is neutral and non-polar, at codon 400 of the IL17RC protein (p.Cys400Phe). This variant is not present in population databases (gnomAD no frequency). This variant has not been reported in the literature in individuals affected with IL17RC-related conditions. An algorithm developed to predict the effect of missense changes on protein structure and function (PolyPhen-2) suggests that this variant is likely to be disruptive. In summary, the available evidence is currently insufficient to determine the role of this variant in disease. Therefore, it has been classified as a Variant of Uncertain Significance.

NM_153460.4(IL17RC):c.986G>T (p.Cys329Phe)

Gene: IL17RC (interleukin 17 receptor C; plus strand). Cytogenetic location: 3p25.3.
Variant type: single nucleotide variant.
Coding change: c.986G>T on transcript NM_153460.4 (MANE Select); coding-DNA position 986, G replaced by T.
Protein change: p.Cys329Phe; replaces cysteine 329 with phenylalanine.
Molecular consequence: missense variant. On other transcripts: non-coding transcript variant (1).
Genome position (GRCh38, 1-based): chr3:9,928,413, G>T. VCF-style: chr3-9928413-G-T. GRCh37 (hg19) VCF-style: chr3-9970097-G-T.
Other names: c.986G>T, p.Cys329Phe (NM_001203263.2, NM_001203264.2); c.941G>T, p.Cys314Phe (NM_001203265.2, NM_001367280.1, NM_001410711.1 and 1 more transcripts); c.947G>T, p.Cys316Phe (NM_001367278.1); c.866G>T, p.Cys289Phe (NM_001367279.1); c.1199G>T, p.Cys400Phe (NM_153461.4); short protein forms C314F, C289F, C316F, C400F, C329F.
Identifiers: ClinVar variation 3633524 (VCV003633524.2).